The following is an entry in ClinVar:

NM_000444.6(PHEX):c.350-2A>G

Gene: PHEX (phosphate regulating endopeptidase X-linked; plus strand). Cytogenetic location: Xp22.11.
Variant type: single nucleotide variant.
Coding change: c.350-2A>G on transcript NM_000444.6 (MANE Select); the canonical splice acceptor site of the intron before coding-DNA position 350, A replaced by G.
Molecular consequence: splice acceptor variant.
Genome position (GRCh38, 1-based): chrX:22,076,386, A>G. VCF-style: chrX-22076386-A-G. GRCh37 (hg19) VCF-style: chrX-22094504-A-G.
Other names: c.350-2A>G (NM_001282754.2).
Identifiers: ClinVar variation 952681 (VCV000952681.10), dbSNP rs1929150904, ClinGen allele CA412571014.

ClinVar aggregate classification (germline): Pathogenic (1 of 4 stars; one submission).

Submission:

Labcorp Genetics (formerly Invitae), Labcorp
Classification: Pathogenic. Last evaluated: 2023-12-24. Review status: criteria provided, single submitter. Criteria: Invitae Variant Classification Sherloc (09022015). Collection method: clinical testing. Allele origin: germline.
Comment: This sequence change affects an acceptor splice site in intron 3 of the PHEX gene. It is expected to disrupt RNA splicing. Variants that disrupt the donor or acceptor splice site typically lead to a loss of protein function (PMID: 16199547), and loss-of-function variants in PHEX are known to be pathogenic (PMID: 9097956, 9106524, 19219621). This variant is not present in population databases (gnomAD no frequency). Disruption of this splice site has been observed in individuals with hypophosphatemic rickets (PMID: 26051471, 29460029; Invitae). ClinVar contains an entry for this variant (Variation ID: 952681). Algorithms developed to predict the effect of sequence changes on RNA splicing suggest that this variant may disrupt the consensus splice site. For these reasons, this variant has been classified as Pathogenic.

Literature cited by the submitters: PubMed 16199547; PubMed 9097956; PubMed 9106524; PubMed 19219621; PubMed 26051471; PubMed 29460029.